The following is an entry in ClinVar:

NM_005802.5(TOPORS):c.568G>A (p.Ala190Thr)

Gene: TOPORS (TOP1 binding arginine/serine rich protein, E3 ubiquitin ligase; minus strand). Cytogenetic location: 9p21.1.
Variant type: single nucleotide variant.
Coding change: c.568G>A on transcript NM_005802.5 (MANE Select); coding-DNA position 568, G replaced by A.
Protein change: p.Ala190Thr; replaces alanine 190 with threonine.
Molecular consequence: missense variant.
Genome position (GRCh38, 1-based): chr9:32,543,957, C>T on the plus strand (G>A on the coding strand, the complement: TOPORS is on the minus strand). VCF-style: chr9-32543957-C-T. GRCh37 (hg19) VCF-style: chr9-32543955-C-T.
Other names: c.373G>A, p.Ala125Thr (NM_001195622.2); short protein forms A190T, A125T.
Identifiers: ClinVar variation 913835 (VCV000913835.12), dbSNP rs1305316061, ClinGen allele CA373172353.

ClinVar aggregate classification (germline): Uncertain significance. Review status: criteria provided, multiple submitters, no conflicts (2 of 4 stars). 2 submissions from 2 submitters: Uncertain significance (2). Last evaluated 2020-06-06.

Conditions:
Retinitis pigmentosa (RP). Identifiers: Orphanet 791, MedGen C0035334, MeSH D012174, MONDO:0019200, OMIM 268000. Inheritance: Autosomal dominant, autosomal recessive and X linked inheritance.

Allele frequency attached by ClinVar (database versions not stated): gnomAD exomes 0.00001.
gnomAD v4.1: 4 of 1,614,124 alleles (0.00025%); highest among the groups gnomAD compares: East Asian, 0.0045%; no homozygotes.

Submissions (2):

Labcorp Genetics (formerly Invitae), Labcorp
Classification: Uncertain significance. Last evaluated: 2020-06-06. Review status: criteria provided, single submitter. Criteria: Invitae Variant Classification Sherloc (09022015). Collection method: clinical testing. Allele origin: germline.
Comment: This sequence change replaces alanine with threonine at codon 190 of the TOPORS protein (p.Ala190Thr). The alanine residue is moderately conserved and there is a small physicochemical difference between alanine and threonine. This variant is not present in population databases (ExAC no frequency). This variant has not been reported in the literature in individuals with TOPORS-related conditions. Algorithms developed to predict the effect of missense changes on protein structure and function output the following: SIFT: "Tolerated"; PolyPhen-2: "Benign"; Align-GVGD: "Class C0". The threonine amino acid residue is found in multiple mammalian species, suggesting that this missense change does not adversely affect protein function. These predictions have not been confirmed by published functional studies and their clinical significance is uncertain. In summary, the available evidence is currently insufficient to determine the role of this variant in disease. Therefore, it has been classified as a Variant of Uncertain Significance.

Illumina Laboratory Services, Illumina
Classification: Uncertain significance for Retinitis pigmentosa. Last evaluated: 2018-01-12. Review status: criteria provided, single submitter. Criteria: ICSL Variant Classification Criteria 13 December 2019. Collection method: clinical testing. Allele origin: germline.